The following is an entry in ClinVar:

ClinVar aggregate classification (germline): Uncertain significance (1 of 4 stars; one submission).

Submission:

GeneDx
Classification: Uncertain significance. Last evaluated: 2019-07-26. Review status: criteria provided, single submitter. Criteria: GeneDx Variant Classification Process June 2021. Collection method: clinical testing. Allele origin: germline. Affected: yes.
Comment: Has not been previously published as pathogenic or benign to our knowledge; Not observed in large population cohorts (Lek et al., 2016); In silico analysis, which includes protein predictors and evolutionary conservation, supports that this variant does not alter protein structure/function

NM_001105206.3(LAMA4):c.1227T>G (p.His409Gln)

Gene: LAMA4 (laminin subunit alpha 4; minus strand). Cytogenetic location: 6q21.
Variant type: single nucleotide variant.
Coding change: c.1227T>G on transcript NM_001105206.3 (MANE Select); coding-DNA position 1227, T replaced by G.
Protein change: p.His409Gln; replaces histidine 409 with glutamine.
Molecular consequence: missense variant.
Genome position (GRCh38, 1-based): chr6:112,175,443, A>C on the plus strand (T>G on the coding strand, the complement: LAMA4 is on the minus strand). VCF-style: chr6-112175443-A-C. GRCh37 (hg19) VCF-style: chr6-112496645-A-C.
Other names: c.1206T>G, p.His402Gln (NM_001105207.3, NM_002290.5); short protein forms H402Q, H409Q.
Identifiers: ClinVar variation 1307467 (VCV001307467.2), dbSNP rs1554343372, ClinGen allele CA365372179.
Genomic context (GRCh38, chr6:112,175,443, plus strand): 5'-CTCTTCAAGCATCTTCTGGGCCAACACCAGCTTCTCAGAGATTTCCTTGGGGCTAAGTTC[A>C]TGCTCTTCCCCATAATAGAGCATCTTGTTGTTGATCTCTGAAAGGAAGAACATGGTGAAA-3'
Protein context (NP_001098676.2, residues 399-419): NNKMLYYGEE[His409Gln]ELSPKEISEK